The following is an entry in ClinVar:

ClinVar aggregate classification (germline): Uncertain significance (1 of 4 stars; one submission).

Submission:

Women's Health and Genetics/Laboratory Corporation of America, LabCorp
Classification: Uncertain significance. Last evaluated: 2024-08-27. Review status: criteria provided, single submitter. Criteria: LabCorp Variant Classification Summary - May 2015. Collection method: clinical testing. Allele origin: germline.
Comment: Variant summary: ABL1 c.375C>A (p.His125Gln) results in a non-conservative amino acid change located in the SH2 domain (IPR000980) of the encoded protein sequence. Four of five in-silico tools predict a damaging effect of the variant on protein function. The variant was absent in 251474 control chromosomes. The available data on variant occurrences in the general population are insufficient to allow any conclusion about variant significance. To our knowledge, no occurrence of c.375C>A in individuals affected with Congenital Heart Defects And Skeletal Malformations Syndrome and no experimental evidence demonstrating its impact on protein function have been reported. No submitters have cited clinical-significance assessments for this variant to ClinVar. Based on the evidence outlined above, the variant was classified as uncertain significance.

NM_005157.6(ABL1):c.375C>A (p.His125Gln)

Gene: ABL1 (ABL proto-oncogene 1, non-receptor tyrosine kinase; plus strand). Cytogenetic location: 9q34.12.
Variant type: single nucleotide variant.
Coding change: c.375C>A on transcript NM_005157.6 (MANE Select); coding-DNA position 375, C replaced by A.
Protein change: p.His125Gln; replaces histidine 125 with glutamine.
Molecular consequence: missense variant.
Genome position (GRCh38, 1-based): chr9:130,854,922, C>A. VCF-style: chr9-130854922-C-A. GRCh37 (hg19) VCF-style: chr9-133730309-C-A.
Other names: c.432C>A, p.His144Gln (NM_007313.3); short protein forms H125Q, H144Q.
Identifiers: ClinVar variation 3366588 (VCV003366588.1).